The following is an entry in ClinVar:

ClinVar aggregate classification (germline): Likely pathogenic (1 of 4 stars; one submission).

Allele frequency attached by ClinVar (database versions not stated): gnomAD exomes below 0.00001.

Submission:

Labcorp Genetics (formerly Invitae), Labcorp
Classification: Likely pathogenic. Last evaluated: 2023-08-16. Review status: criteria provided, single submitter. Criteria: Invitae Variant Classification Sherloc (09022015). Collection method: clinical testing. Allele origin: germline.
Comment: This variant is not present in population databases (gnomAD no frequency). This variant results in the deletion of exon 88 (c.6901-5_6903del) of the COL7A1 gene. It is expected to disrupt RNA splicing. Variants that disrupt the donor or acceptor splice site typically lead to a loss of protein function (PMID: 16199547), and loss-of-function variants in COL7A1 are known to be pathogenic (PMID: 16971478). This variant has not been reported in the literature in individuals affected with COL7A1-related conditions. ClinVar contains an entry for this variant (Variation ID: 1509932). Algorithms developed to predict the effect of sequence changes on RNA splicing suggest that this variant may disrupt the consensus splice site. In summary, the currently available evidence indicates that the variant is pathogenic, but additional data are needed to prove that conclusively. Therefore, this variant has been classified as Likely Pathogenic.

Literature cited by the submitters: PubMed 16199547; PubMed 16971478.

NM_000094.4(COL7A1):c.6901-5_6903del

Gene: COL7A1 (collagen type VII alpha 1 chain; minus strand). Cytogenetic location: 3p21.31.
Variant type: Deletion.
Coding change: c.6901-5_6903del on transcript NM_000094.4 (MANE Select); 5 bases into the intron before coding-DNA position 6901 through coding-DNA position 6903, 8 bases deleted (CACAGGCT; older notation c.6901-5_6903delCACAGGCT).
Molecular consequence: splice acceptor variant.
Genome position (GRCh38, 1-based): chr3:48,572,536-48,572,543, AGCCTGTG deleted on the plus strand (CACAGGCT on the coding strand, the reverse complement: COL7A1 is on the minus strand). VCF-style (leftmost placement, unchanged base first): chr3-48572535-CAGCCTGTG-C. GRCh37 (hg19) VCF-style: chr3-48609968-CAGCCTGTG-C.
Identifiers: ClinVar variation 1509932 (VCV001509932.6), dbSNP rs2107657268, ClinGen allele CA2573137126.